The following is an entry in ClinVar:

ClinVar aggregate classification (germline): Uncertain significance (1 of 4 stars; one submission).

Conditions:
Catecholaminergic polymorphic ventricular tachycardia 1. Also called: VENTRICULAR TACHYCARDIA, STRESS-INDUCED POLYMORPHIC 1; VENTRICULAR TACHYCARDIA, CATECHOLAMINERGIC POLYMORPHIC, 1, WITH OR WITHOUT ATRIAL DYSFUNCTION AND/OR DILATED CARDIOMYOPATHY; RYR2-Related Catecholaminergic Polymorphic Ventricular Tachycardia. Identifiers: Orphanet 3286, MedGen C1631597, MONDO:0011484, OMIM 604772.

Allele frequency attached by ClinVar (database versions not stated): gnomAD exomes below 0.00001.
gnomAD v4.1: 3 of 1,581,702 alleles (0.00019%); highest among the groups gnomAD compares: Non-Finnish European, 0.00026%; no homozygotes.

Submission:

Labcorp Genetics (formerly Invitae), Labcorp
Classification: Uncertain significance for Catecholaminergic polymorphic ventricular tachycardia 1. Last evaluated: 2023-11-13. Review status: criteria provided, single submitter. Criteria: Invitae Variant Classification Sherloc (09022015). Collection method: clinical testing. Allele origin: germline.
Comment: This sequence change replaces asparagine, which is neutral and polar, with serine, which is neutral and polar, at codon 54 of the RYR2 protein (p.Asn54Ser). This variant is not present in population databases (gnomAD no frequency). This variant has not been reported in the literature in individuals affected with RYR2-related conditions. Advanced modeling of protein sequence and biophysical properties (such as structural, functional, and spatial information, amino acid conservation, physicochemical variation, residue mobility, and thermodynamic stability) performed at Invitae indicates that this missense variant is expected to disrupt RYR2 protein function with a positive predictive value of 95%. In summary, the available evidence is currently insufficient to determine the role of this variant in disease. Therefore, it has been classified as a Variant of Uncertain Significance.

NM_001035.3(RYR2):c.161A>G (p.Asn54Ser)

Gene: RYR2 (ryanodine receptor 2; plus strand). Cytogenetic location: 1q43.
Variant type: single nucleotide variant.
Coding change: c.161A>G on transcript NM_001035.3 (MANE Select); coding-DNA position 161, A replaced by G.
Protein change: p.Asn54Ser; replaces asparagine 54 with serine.
Molecular consequence: missense variant.
Genome position (GRCh38, 1-based): chr1:237,270,609, A>G. VCF-style: chr1-237270609-A-G. GRCh37 (hg19) VCF-style: chr1-237433909-A-G.
Other names: short protein forms N54S.
Identifiers: ClinVar variation 2800785 (VCV002800785.3), dbSNP rs2528051838, ClinGen allele CA345654503.
Genomic context (GRCh38, chr1:237,270,609, plus strand): 5'-AGCTATGCTTGGCAGCAGAAGGATTTGGCAACAGACTTTGTTTCTTGGAGTCCACTTCCA[A>G]TTCCAAGGTGGGATGAAGTCTTTCAAGGCTATTCAAATATGCAAGTTTTACTAGTGGCAT-3'
Protein context (NP_001026.2, residues 44-64): NRLCFLESTS[Asn54Ser]SKNVPPDLSI